The following is an entry in ClinVar:

ClinVar aggregate classification (germline): Benign/Likely benign. Review status: criteria provided, multiple submitters, no conflicts (2 of 4 stars). 4 submissions from 4 submitters: Benign (1); Likely benign (2). 1 of the submissions does not count toward it. Last evaluated 2026-02-01.

Conditions:
ILK-related disorder. Also called: ILK-related condition.
Primary familial hypertrophic cardiomyopathy (HCM). Identifiers: Orphanet 99739, MedGen C0949658, MeSH D024741, MONDO:0024573. Inheritance: Various modes of inheritance.

Allele frequency attached by ClinVar (database versions not stated): gnomAD 0.00004 and 0.00012; gnomAD exomes 0.00013 and 0.00035; TOPMed 0.00021; ExAC 0.00039; 1000 Genomes Project 30x 0.00109; 1000 Genomes Project 0.00140.
gnomAD v4.1: 208 of 1,612,938 alleles (0.013%); highest among the groups gnomAD compares: East Asian, 0.43%; 3 homozygotes.

Submissions (4):

Labcorp Genetics (formerly Invitae), Labcorp
Classification: Benign for Primary familial hypertrophic cardiomyopathy. Last evaluated: 2026-02-01. Review status: criteria provided, single submitter. Criteria: Invitae Variant Classification Sherloc (09022015). Collection method: clinical testing. Allele origin: germline.

Blueprint Genetics
Classification: Likely benign. Last evaluated: 2024-10-11. Review status: criteria provided, single submitter. Criteria: ACMG Guidelines, 2015. Collection method: clinical testing. Allele origin: germline.

Ambry Genetics
Classification: Likely benign. Last evaluated: 2022-03-04. Review status: criteria provided, single submitter. Criteria: Ambry Variant Classification Scheme 2023. Collection method: clinical testing. Allele origin: germline.

PreventionGenetics, part of Exact Sciences
Classification: Likely benign for ILK-related condition. Last evaluated: 2020-07-17. Review status: no assertion criteria provided. Collection method: clinical testing. Allele origin: germline. Not counted in ClinVar's aggregate classification.
Comment: This variant is classified as likely benign based on ACMG/AMP sequence variant interpretation guidelines (Richards et al. 2015 PMID: 25741868, with internal and published modifications).

NM_004517.4(ILK):c.36C>T (p.Asn12=)

Genes: ILK (integrin linked kinase; plus strand), LOC130005201 (ATAC-STARR-seq lymphoblastoid active region 4345; plus strand). Cytogenetic location: 11p15.4.
Variant type: single nucleotide variant.
Coding change: c.36C>T on transcript NM_004517.4 (MANE Select); coding-DNA position 36, C replaced by T.
Protein change: p.Asn12=; no amino-acid change (asparagine 12 retained).
Molecular consequence: synonymous variant. On other transcripts: 5 prime UTR variant (1).
Genome position (GRCh38, 1-based): chr11:6,604,307, C>T. VCF-style: chr11-6604307-C-T. GRCh37 (hg19) VCF-style: chr11-6625537-C-T.
Other names: c.36C>T, p.Asn12= (NM_001014794.3, NM_001014795.3, NM_001278441.2); c.-201C>T (NM_001278442.2).
Identifiers: ClinVar variation 463183 (VCV000463183.17), dbSNP rs199789449, ClinGen allele CA5857911.